The following is an entry in ClinVar:

NM_000540.3(RYR1):c.7684A>G (p.Ile2562Val)

Gene: RYR1 (ryanodine receptor 1; plus strand). Cytogenetic location: 19q13.2.
Variant type: single nucleotide variant.
Coding change: c.7684A>G on transcript NM_000540.3 (MANE Select); coding-DNA position 7684, A replaced by G.
Protein change: p.Ile2562Val; replaces isoleucine 2562 with valine.
Molecular consequence: missense variant.
Genome position (GRCh38, 1-based): chr19:38,502,576, A>G. VCF-style: chr19-38502576-A-G. GRCh37 (hg19) VCF-style: chr19-38993216-A-G.
Other names: c.7684A>G, p.Ile2562Val (NM_001042723.2); short protein forms I2562V.
Identifiers: ClinVar variation 892025 (VCV000892025.6), dbSNP rs1359576805, ClinGen allele CA405671604.

ClinVar aggregate classification (germline): Uncertain significance. Review status: criteria provided, multiple submitters, no conflicts (2 of 4 stars). 4 submissions from 2 submitters: Uncertain significance (4). Last evaluated 2024-11-23.

Conditions:
RYR1-related disorder. Also called: RYR1-related condition; RYR1-related disorders. Identifiers: MedGen CN239331.
Congenital multicore myopathy with external ophthalmoplegia (CMYO1B). Also called: MULTICORE MYOPATHY; Minicore myopathy with external ophthalmoplegia; Congenital myopathy 1B, autosomal recessive; Minicore myopathy; MULTIMINICORE DISEASE WITH EXTERNAL OPHTHALMOPLEGIA. Identifiers: Orphanet 598, Orphanet 98905, MedGen C1850674, MONDO:0009712, OMIM 255320, HP:0003789.
Malignant hyperthermia, susceptibility to, 1 (MHS1). Also called: Anesthesia related hyperthermia; Malignant hyperpyrexia; Fulminating hyperpyrexia; Pharmacogenic myopathy; RYR1-Related Malignant Hyperthermia Susceptibility; Malignant hyperthermia suceptibility 1. Identifiers: Orphanet 423, MedGen C2930980, MONDO:0007783, OMIM 145600.
Central core myopathy (CMYO1A). Also called: CONGENITAL MYOPATHY 1A, AUTOSOMAL DOMINANT, WITH SUSCEPTIBILITY TO MALIGNANT HYPERTHERMIA; Central core disease; Myopathy, central fibrillar. Identifiers: Orphanet 597, MedGen C5830701, MONDO:0007294, OMIM 117000.

Allele frequency attached by ClinVar (database versions not stated): TOPMed 0.00001.
gnomAD v4.1: 4 of 1,612,066 alleles (0.00025%); highest among the groups gnomAD compares: African/African-American, 0.0027%; no homozygotes.

Submissions (4):

Labcorp Genetics (formerly Invitae), Labcorp
Classification: Uncertain significance for RYR1-related disorder. Last evaluated: 2024-11-23. Review status: criteria provided, single submitter. Criteria: Invitae Variant Classification Sherloc (09022015). Collection method: clinical testing. Allele origin: germline.
Comment: This sequence change replaces isoleucine, which is neutral and non-polar, with valine, which is neutral and non-polar, at codon 2562 of the RYR1 protein (p.Ile2562Val). This variant is not present in population databases (gnomAD no frequency). This variant has not been reported in the literature in individuals affected with RYR1-related conditions. ClinVar contains an entry for this variant (Variation ID: 892025). Invitae Evidence Modeling of protein sequence and biophysical properties (such as structural, functional, and spatial information, amino acid conservation, physicochemical variation, residue mobility, and thermodynamic stability) indicates that this missense variant is not expected to disrupt RYR1 protein function with a negative predictive value of 80%. In summary, the available evidence is currently insufficient to determine the role of this variant in disease. Therefore, it has been classified as a Variant of Uncertain Significance.

Illumina Laboratory Services, Illumina
Classification: Uncertain significance for Congenital multicore myopathy with external ophthalmoplegia. Last evaluated: 2018-01-12. Review status: criteria provided, single submitter. Criteria: ICSL Variant Classification Criteria 13 December 2019. Collection method: clinical testing. Allele origin: germline.

Illumina Laboratory Services, Illumina
Classification: Uncertain significance for Central core myopathy. Last evaluated: 2018-01-12. Review status: criteria provided, single submitter. Criteria: ICSL Variant Classification Criteria 13 December 2019. Collection method: clinical testing. Allele origin: germline.

Illumina Laboratory Services, Illumina
Classification: Uncertain significance for Malignant hyperthermia, susceptibility to, 1. Last evaluated: 2018-01-12. Review status: criteria provided, single submitter. Criteria: ICSL Variant Classification Criteria 13 December 2019. Collection method: clinical testing. Allele origin: germline.